The following is an entry in ClinVar:

NM_001148.6(ANK2):c.10996G>A (p.Glu3666Lys)

Gene: ANK2 (ankyrin 2; plus strand). Cytogenetic location: 4q26.
Variant type: single nucleotide variant.
Coding change: c.10996G>A on transcript NM_001148.6 (MANE Select); coding-DNA position 10996, G replaced by A.
Protein change: p.Glu3666Lys; replaces glutamic acid 3666 with lysine.
Molecular consequence: missense variant.
Genome position (GRCh38, 1-based): chr4:113,365,146, G>A. VCF-style: chr4-113365146-G-A. GRCh37 (hg19) VCF-style: chr4-114286302-G-A.
Other names: c.4714G>A, p.Glu1572Lys (NM_001127493.3); c.4753G>A, p.Glu1585Lys (NM_001354225.2); c.4642G>A, p.Glu1548Lys (NM_001354228.2, NM_001354258.2); c.4720G>A, p.Glu1574Lys (NM_001354230.2); c.4783G>A, p.Glu1595Lys (NM_001354231.2, NM_001354242.2); c.4777G>A, p.Glu1593Lys (NM_001354232.2); c.4738G>A, p.Glu1580Lys (NM_001354235.2, NM_001354246.2, NM_001354265.2); c.4639G>A, p.Glu1547Lys (NM_001354236.2); and 35 more; short protein forms E1481K, E1486K, E1503K, E1506K, E1560K, E1576K, E1607K, E757K.
Identifiers: ClinVar variation 1791408 (VCV001791408.5), dbSNP rs2096459863, ClinGen allele CA357941710.

ClinVar aggregate classification (germline): Uncertain significance. Review status: criteria provided, multiple submitters, no conflicts (2 of 4 stars). 2 submissions from 2 submitters: Uncertain significance (2). Last evaluated 2025-04-03.

Conditions:
Cardiovascular phenotype. Identifiers: MedGen CN230736.

Allele frequency attached by ClinVar (database versions not stated): gnomAD 0.00001.

Submissions (2):

Ambry Genetics
Classification: Uncertain significance for Cardiovascular phenotype. Last evaluated: 2025-04-03. Review status: criteria provided, single submitter. Criteria: Ambry Variant Classification Scheme 2023. Collection method: clinical testing. Allele origin: germline.

GeneDx
Classification: Uncertain significance. Last evaluated: 2023-06-20. Review status: criteria provided, single submitter. Criteria: GeneDx Variant Classification Process June 2021. Collection method: clinical testing. Allele origin: germline. Affected: yes.
Comment: Not observed at significant frequency in large population cohorts (gnomAD); In silico analysis supports that this missense variant has a deleterious effect on protein structure/function; Has not been previously published as pathogenic or benign to our knowledge